The following is an entry in ClinVar:

ClinVar aggregate classification (germline): Uncertain significance (1 of 4 stars; one submission).

Conditions:
Myasthenic syndrome, congenital, 22 (CMS22). Also called: PREPL DEFICIENCY. Identifiers: MedGen C4479088, MONDO:0044299, OMIM 616224.

Allele frequency attached by ClinVar (database versions not stated): gnomAD 0.00001; gnomAD exomes 0.00001; TOPMed 0.00001.

Submission:

Labcorp Genetics (formerly Invitae), Labcorp
Classification: Uncertain significance for Myasthenic syndrome, congenital, 22. Last evaluated: 2022-09-19. Review status: criteria provided, single submitter. Criteria: Invitae Variant Classification Sherloc (09022015). Collection method: clinical testing. Allele origin: germline.
Comment: In summary, the available evidence is currently insufficient to determine the role of this variant in disease. Therefore, it has been classified as a Variant of Uncertain Significance. Advanced modeling of protein sequence and biophysical properties (such as structural, functional, and spatial information, amino acid conservation, physicochemical variation, residue mobility, and thermodynamic stability) performed at Invitae indicates that this missense variant is expected to disrupt PREPL protein function. ClinVar contains an entry for this variant (Variation ID: 1467696). This variant has not been reported in the literature in individuals affected with PREPL-related conditions. This variant is not present in population databases (gnomAD no frequency). This sequence change replaces valine, which is neutral and non-polar, with glycine, which is neutral and non-polar, at codon 230 of the PREPL protein (p.Val230Gly).

NM_001171613.2(PREPL):c.422T>G (p.Val141Gly)

Gene: PREPL (prolyl endopeptidase like; minus strand). Cytogenetic location: 2p21.
Variant type: single nucleotide variant.
Coding change: c.422T>G on transcript NM_001171613.2 (MANE Select); coding-DNA position 422, T replaced by G.
Protein change: p.Val141Gly; replaces valine 141 with glycine.
Molecular consequence: missense variant.
Genome position (GRCh38, 1-based): chr2:44,342,480, A>C on the plus strand (T>G on the coding strand, the complement: PREPL is on the minus strand). VCF-style: chr2-44342480-A-C. GRCh37 (hg19) VCF-style: chr2-44569619-A-C.
Other names: c.689T>G, p.Val230Gly (NM_001042385.2, NM_001042386.2, NM_001171603.1 and 4 more transcripts); c.422T>G, p.Val141Gly (NM_001171617.1, NM_001374277.1); short protein forms V230G, V141G.
Identifiers: ClinVar variation 1467696 (VCV001467696.7), dbSNP rs1675330234, ClinGen allele CA346692843.